The following is an entry in ClinVar:

NM_000271.5(NPC1):c.3559G>A (p.Ala1187Thr)

Gene: NPC1 (NPC intracellular cholesterol transporter 1; minus strand). Cytogenetic location: 18q11.2.
Variant type: single nucleotide variant.
Coding change: c.3559G>A on transcript NM_000271.5 (MANE Select); coding-DNA position 3559, G replaced by A.
Protein change: p.Ala1187Thr; replaces alanine 1187 with threonine.
Molecular consequence: missense variant.
Genome position (GRCh38, 1-based): chr18:23,534,478, C>T on the plus strand (G>A on the coding strand, the complement: NPC1 is on the minus strand). VCF-style: chr18-23534478-C-T. GRCh37 (hg19) VCF-style: chr18-21114442-C-T.
Other names: c.3559G>A (NM_000271.4); short protein forms A1187T.
Identifiers: ClinVar variation 499348 (VCV000499348.14), dbSNP rs762517273, ClinGen allele CA8912731.

ClinVar aggregate classification (germline): Conflicting classifications of pathogenicity. Review status: criteria provided, conflicting classifications (1 of 4 stars). 6 submissions from 6 submitters: Likely pathogenic (1); Uncertain significance (5). Last evaluated 2026-09-08.

Conditions:
Niemann-Pick disease, type C1. Also called: NIEMANN-PICK DISEASE, VARIANT TYPE C1; NEUROVISCERAL STORAGE DISEASE WITH VERTICAL SUPRANUCLEAR OPHTHALMOPLEGIA; NIEMANN-PICK DISEASE WITH CHOLESTEROL ESTERIFICATION BLOCK; NIEMANN-PICK DISEASE WITHOUT SPHINGOMYELINASE DEFICIENCY; NIEMANN-PICK DISEASE, CHRONIC NEURONOPATHIC FORM. Identifiers: Orphanet 646, MedGen C3179455, MONDO:0009757, OMIM 257220.
Inborn genetic diseases. Identifiers: MedGen C0950123, MeSH D030342.

Allele frequency attached by ClinVar (database versions not stated): ExAC 0.00005; gnomAD exomes 0.00005 and 0.00006; TOPMed 0.00008; gnomAD 0.00009.
gnomAD v4.1: 84 of 1,613,832 alleles (0.0052%); highest among the groups gnomAD compares: Admixed American, 0.018%; no homozygotes.

Submissions (6):

Ambry Genetics
Classification: Uncertain significance for Inborn genetic diseases. Last evaluated: 2026-09-08. Review status: criteria provided, single submitter. Criteria: Ambry Variant Classification Scheme 2023. Collection method: clinical testing. Allele origin: germline.
Comment: The c.3559G>A (p.A1187T) alteration is located in exon 23 (coding exon 23) of the NPC1 gene. This alteration results from a G to A substitution at nucleotide position 3559, causing the alanine (A) at amino acid position 1187 to be replaced by a threonine (T). Based on data from gnomAD, the A allele has an overall frequency of 0.006% (18/282470) total alleles studied. The highest observed frequency was 0.017% (6/35428) of Latino alleles. Based on insufficient or conflicting evidence, the clinical significance of this alteration remains unclear.

Labcorp Genetics (formerly Invitae), Labcorp
Classification: Likely pathogenic for Niemann-Pick disease, type C1. Last evaluated: 2026-01-08. Review status: criteria provided, single submitter. Criteria: Invitae Variant Classification Sherloc (09022015). Collection method: clinical testing. Allele origin: germline.
Comment: This sequence change replaces alanine, which is neutral and non-polar, with threonine, which is neutral and polar, at codon 1187 of the NPC1 protein (p.Ala1187Thr). This variant is present in population databases (rs762517273, gnomAD 0.02%). This variant has not been reported in the literature in individuals affected with NPC1-related conditions. ClinVar contains an entry for this variant (Variation ID: 499348). Invitae Evidence Modeling of protein sequence and biophysical properties (such as structural, functional, and spatial information, amino acid conservation, physicochemical variation, residue mobility, and thermodynamic stability) indicates that this missense variant is expected to disrupt NPC1 protein function with a positive predictive value of 95%. This variant disrupts the p.Ala1187 amino acid residue in NPC1. Other variant(s) that disrupt this residue have been determined to be pathogenic (PMID: 26981555). This suggests that this residue is clinically significant, and that variants that disrupt this residue are likely to be disease-causing. In summary, the currently available evidence indicates that the variant is pathogenic, but additional data are needed to prove that conclusively. Therefore, this variant has been classified as Likely Pathogenic.

3billion
Classification: Uncertain significance for Niemann-Pick disease, type C1. Last evaluated: 2025-07-25. Review status: criteria provided, single submitter. Criteria: ACMG Guidelines, 2015. Collection method: clinical testing. Allele origin: germline. Affected: yes.
Comment: The variant is observed at an extremely low frequency in the gnomAD v4.1.0 dataset (total allele frequency: 0.005%). Predicted Consequence/Location: Missense variant In silico tool predictions suggest damaging effect of the variant on gene or gene product [REVEL: 0.68 (>=0.6, sensitivity 0.68 and specificity 0.92)]. Different missense changes at the same codon (p.Ala1187Gly, p.Ala1187Val) have been reported as pathogenic/likely pathogenic with strong evidence (ClinVar ID: VCV000374166 /PMID: 19252935, 26981555). Therefore, this variant is classified as VUS according to the recommendation of ACMG/AMP guideline.

GeneDx
Classification: Uncertain significance. Last evaluated: 2024-01-03. Review status: criteria provided, single submitter. Criteria: GeneDx Variant Classification Process June 2021. Collection method: clinical testing. Allele origin: germline. Affected: yes.
Comment: Has not been previously published as pathogenic or benign to our knowledge; In silico analysis supports that this missense variant has a deleterious effect on protein structure/function

Fulgent Genetics
Classification: Uncertain significance for Niemann-Pick disease, type C1. Last evaluated: 2022-05-31. Review status: criteria provided, single submitter. Criteria: ACMG Guidelines, 2015. Collection method: clinical testing. Allele origin: unknown.

Eurofins Ntd Llc (ga)
Classification: Uncertain significance. Last evaluated: 2016-12-20. Review status: criteria provided, single submitter. Criteria: EGL Classification Definitions 2015. Collection method: clinical testing. Allele origin: germline. Observed: 1 variant allele, 1 heterozygote.

Literature cited by the submitters: PubMed 26981555 (cited by Labcorp Genetics (formerly Invitae), Labcorp); PubMed 19252935 (cited by 3billion).